The following is an entry in ClinVar:

NM_021008.4(DEAF1):c.616C>T (p.Arg206Trp)

Gene: DEAF1 (DEAF1 transcription factor; minus strand). Cytogenetic location: 11p15.5.
Variant type: single nucleotide variant.
Coding change: c.616C>T on transcript NM_021008.4 (MANE Select); coding-DNA position 616, C replaced by T.
Protein change: p.Arg206Trp; replaces arginine 206 with tryptophan.
Molecular consequence: missense variant. On other transcripts: 5 prime UTR variant (1).
Genome position (GRCh38, 1-based): chr11:687,959, G>A on the plus strand (C>T on the coding strand, the complement: DEAF1 is on the minus strand). VCF-style: chr11-687959-G-A. GRCh37 (hg19) VCF-style: chr11-687959-G-A.
Other names: c.616C>T, p.Arg206Trp (NM_001293634.2); c.-111C>T (NM_001367390.1); short protein forms R206W.
Identifiers: ClinVar variation 3009327 (VCV003009327.3), dbSNP rs773963410, ClinGen allele CA5786480.

ClinVar aggregate classification (germline): Uncertain significance (1 of 4 stars; one submission).

Allele frequency attached by ClinVar (database versions not stated): TOPMed below 0.00001; ExAC 0.00001; gnomAD 0.00001; gnomAD exomes 0.00001.
gnomAD v4.1: 12 of 1,613,970 alleles (0.00074%); highest among the groups gnomAD compares: South Asian, 0.0022%; no homozygotes.

Submission:

Labcorp Genetics (formerly Invitae), Labcorp
Classification: Uncertain significance. Last evaluated: 2024-10-24. Review status: criteria provided, single submitter. Criteria: Invitae Variant Classification Sherloc (09022015). Collection method: clinical testing. Allele origin: germline.
Comment: This sequence change replaces arginine, which is basic and polar, with tryptophan, which is neutral and slightly polar, at codon 206 of the DEAF1 protein (p.Arg206Trp). This variant is present in population databases (rs773963410, gnomAD 0.003%). This variant has not been reported in the literature in individuals affected with DEAF1-related conditions. Invitae Evidence Modeling of protein sequence and biophysical properties (such as structural, functional, and spatial information, amino acid conservation, physicochemical variation, residue mobility, and thermodynamic stability) indicates that this missense variant is expected to disrupt DEAF1 protein function with a positive predictive value of 95%. In summary, the available evidence is currently insufficient to determine the role of this variant in disease. Therefore, it has been classified as a Variant of Uncertain Significance.